The following is an entry in ClinVar:

NM_147191.1(MMP21):c.382_387delinsCTCCGCA (p.Ser128fs)

Gene: MMP21 (matrix metallopeptidase 21; minus strand). Cytogenetic location: 10q26.2.
Variant type: Indel.
Coding change: c.382_387delinsCTCCGCA on transcript NM_147191.1 (MANE Select); coding-DNA positions 382 to 387, TCCGCC replaced by CTCCGCA.
Protein change: p.Ser128fs; shifts the reading frame from serine 128.
Molecular consequence: frameshift variant.
Genome position (GRCh38, 1-based): chr10:125,774,141-125,774,146, GGCGGA replaced by TGCGGAG on the plus strand (TCCGCC replaced by CTCCGCA on the coding strand, the reverse complement: MMP21 is on the minus strand). VCF-style: chr10-125774141-GGCGGA-TGCGGAG. GRCh37 (hg19) VCF-style: chr10-127462710-GGCGGA-TGCGGAG.
Other names: short protein forms S128fs.
Identifiers: ClinVar variation 4992585 (VCV004992585.1).

ClinVar aggregate classification (germline): Likely pathogenic (1 of 4 stars; one submission).

Conditions:
MMP21-related disorder. Also called: MMP21-related condition.

Submission:

PreventionGenetics, part of Exact Sciences
Classification: Likely pathogenic for MMP21-related condition. Last evaluated: 2025-11-05. Review status: criteria provided, single submitter. Criteria: ACMG Guidelines, 2015. Collection method: clinical testing. Allele origin: germline.
Comment: The MMP21 c.382_387delinsCTCCGCA variant is predicted to result in a frameshift and premature protein termination (p.Ser128Leufs*130). To our knowledge, this variant has not been reported in the literature or in a large population database (gnomAD), indicating this variant is rare. Frameshift variants in MMP21 are expected to be pathogenic. This variant is interpreted as likely pathogenic.